The following is an entry in ClinVar:

NM_004656.4(BAP1):c.343A>G (p.Met115Val)

Gene: BAP1 (BRCA1 associated deubiquitinase 1; minus strand). Cytogenetic location: 3p21.1.
Variant type: single nucleotide variant.
Coding change: c.343A>G on transcript NM_004656.4 (MANE Select); coding-DNA position 343, A replaced by G.
Protein change: p.Met115Val; replaces methionine 115 with valine.
Molecular consequence: missense variant.
Genome position (GRCh38, 1-based): chr3:52,407,990, T>C on the plus strand (A>G on the coding strand, the complement: BAP1 is on the minus strand). VCF-style: chr3-52407990-T-C. GRCh37 (hg19) VCF-style: chr3-52442006-T-C.
Other names: short protein forms M115V.
Identifiers: ClinVar variation 1514130 (VCV001514130.10), dbSNP rs1705219847, ClinGen allele CA353111949.
Genomic context (GRCh38, chr3:52,407,990, plus strand): 5'-GAGCCAGGATGAAGGCACTGCAGCCTACCTCAGGGCTGAAACCCTTGGTGAAGTCCTTCA[T>C]GCGACTCAGGGTGGGTCCCAGGTCCACGCTGCTGCAGTTCAGGAGCACGCTCAGCAAGGC-3'
Protein context (NP_004647.1, residues 105-125): SVDLGPTLSR[Met115Val]KDFTKGFSPE

ClinVar aggregate classification (germline): Uncertain significance. Review status: criteria provided, multiple submitters, no conflicts (2 of 4 stars). 2 submissions from 2 submitters: Uncertain significance (2). Last evaluated 2022-08-28.

Conditions:
Hereditary cancer-predisposing syndrome. Also called: Tumor predisposition; Neoplastic Syndromes, Hereditary; Hereditary neoplastic syndrome; Hereditary Cancer Syndrome. Identifiers: Orphanet 140162, MedGen C0027672, MeSH D009386, MONDO:0015356.
BAP1-related tumor predisposition syndrome (TPDS1). Also called: COMMON Syndrome; TUMOR PREDISPOSITION SYNDROME 1; Tumor susceptibility linked to germline BAP1 mutations; BAP1 tumor predisposition syndrome. Identifiers: Orphanet 289539, MedGen C3280492, MONDO:0013692, OMIM 614327.

Allele frequency attached by ClinVar (database versions not stated): gnomAD exomes below 0.00001; TOPMed below 0.00001; gnomAD 0.00001.

Submissions (2):

Ambry Genetics
Classification: Uncertain significance for Hereditary cancer-predisposing syndrome. Last evaluated: 2022-08-28. Review status: criteria provided, single submitter. Criteria: Ambry Variant Classification Scheme 2023. Collection method: clinical testing. Allele origin: germline.
Comment: The p.M115V variant (also known as c.343A>G), located in coding exon 5 of the BAP1 gene, results from an A to G substitution at nucleotide position 343. The methionine at codon 115 is replaced by valine, an amino acid with highly similar properties. This amino acid position is conserved. In addition, this alteration is predicted to be tolerated by in silico analysis. Since supporting evidence is limited at this time, the clinical significance of this alteration remains unclear.

Labcorp Genetics (formerly Invitae), Labcorp
Classification: Uncertain significance for BAP1-related tumor predisposition syndrome. Last evaluated: 2021-03-04. Review status: criteria provided, single submitter. Criteria: Invitae Variant Classification Sherloc (09022015). Collection method: clinical testing. Allele origin: germline.
Comment: This sequence change replaces methionine with valine at codon 115 of the BAP1 protein (p.Met115Val). The methionine residue is moderately conserved and there is a small physicochemical difference between methionine and valine. This variant is not present in population databases (ExAC no frequency). This variant has not been reported in the literature in individuals with BAP1-related conditions. Algorithms developed to predict the effect of missense changes on protein structure and function (SIFT, PolyPhen-2, Align-GVGD) all suggest that this variant is likely to be tolerated, but these predictions have not been confirmed by published functional studies and their clinical significance is uncertain. In summary, the available evidence is currently insufficient to determine the role of this variant in disease. Therefore, it has been classified as a Variant of Uncertain Significance.